The following is an entry in ClinVar:

NM_004360.5(CDH1):c.231G>A (p.Val77=)

Gene: CDH1 (cadherin 1; plus strand). Cytogenetic location: 16q22.1.
Variant type: single nucleotide variant.
Coding change: c.231G>A on transcript NM_004360.5 (MANE Select); coding-DNA position 231, G replaced by A.
Protein change: p.Val77=; no amino-acid change (valine 77 retained).
Molecular consequence: synonymous variant. On other transcripts: 5 prime UTR variant (2).
Genome position (GRCh38, 1-based): chr16:68,801,737, G>A. VCF-style: chr16-68801737-G-A. GRCh37 (hg19) VCF-style: chr16-68835640-G-A.
Other names: c.231G>A, p.Val77= (NM_001317184.2); c.-1385G>A (NM_001317185.2); c.-1589G>A (NM_001317186.2).
Identifiers: ClinVar variation 943324 (VCV000943324.11), dbSNP rs1446769308, ClinGen allele CA496152629.

ClinVar aggregate classification (germline): Benign/Likely benign. Review status: criteria provided, multiple submitters, no conflicts (2 of 4 stars). 2 submissions from 2 submitters: Benign (1); Likely benign (1). Last evaluated 2024-09-12.

Conditions:
Hereditary diffuse gastric adenocarcinoma (HDGC). Also called: DIFFUSE GASTRIC AND LOBULAR BREAST CANCER SYNDROME. Identifiers: Orphanet 26106, MedGen C1708349, MONDO:0007648, OMIM 137215.

Submissions (2):

Myriad Genetics, Inc.
Classification: Benign for Hereditary diffuse gastric adenocarcinoma. Last evaluated: 2024-09-12. Review status: criteria provided, single submitter. Criteria: Myriad Autosomal Dominant, Autosomal Recessive and X-Linked Classification Criteria (2023). Collection method: clinical testing. Allele origin: unknown.
Comment: This variant is considered benign. This variant is a silent/synonymous amino acid change and it is not expected to impact splicing.

Labcorp Genetics (formerly Invitae), Labcorp
Classification: Likely benign for Hereditary diffuse gastric adenocarcinoma. Last evaluated: 2024-02-20. Review status: criteria provided, single submitter. Criteria: Invitae Variant Classification Sherloc (09022015). Collection method: clinical testing. Allele origin: germline.